The following is an entry in ClinVar:

NM_032656.4(DHX37):c.2692G>A (p.Ala898Thr)

Gene: DHX37 (DEAH-box helicase 37; minus strand). Cytogenetic location: 12q24.31.
Variant type: single nucleotide variant.
Coding change: c.2692G>A on transcript NM_032656.4 (MANE Select); coding-DNA position 2692, G replaced by A.
Protein change: p.Ala898Thr; replaces alanine 898 with threonine.
Molecular consequence: missense variant.
Genome position (GRCh38, 1-based): chr12:124,953,883, C>T on the plus strand (G>A on the coding strand, the complement: DHX37 is on the minus strand). VCF-style: chr12-124953883-C-T. GRCh37 (hg19) VCF-style: chr12-125438429-C-T.
Other names: short protein forms A898T.
Identifiers: ClinVar variation 4749356 (VCV004749356.1).
Genomic context (GRCh38, chr12:124,953,883, plus strand): 5'-AAGTGCCCAGGTCAGGTTGCCCGCCGGGTGCAGCGGCGTGCCGGCACGGGGCCGTACCTG[C>T]GGTGGTCAGCTGGCCCCGCAGGCGCCGGATCTCCATCATGGCTTTGTACCGCAGCCCGTT-3'
Protein context (NP_116045.2, residues 888-908): IRRLRGQLTT[Ala898Thr]VNAVCPEAEL

ClinVar aggregate classification (germline): Uncertain significance (1 of 4 stars; one submission).

gnomAD v4.1: 40 of 1,611,132 alleles (0.0025%); highest among the groups gnomAD compares: South Asian, 0.033%; no homozygotes.

Submission:

Labcorp Genetics (formerly Invitae), Labcorp
Classification: Uncertain significance. Last evaluated: 2025-11-27. Review status: criteria provided, single submitter. Criteria: Invitae Variant Classification Sherloc (09022015). Collection method: clinical testing. Allele origin: germline.
Comment: This sequence change replaces alanine, which is neutral and non-polar, with threonine, which is neutral and polar, at codon 898 of the DHX37 protein (p.Ala898Thr). This variant is present in population databases (rs530476112, gnomAD 0.04%). This variant has not been reported in the literature in individuals affected with DHX37-related conditions. Invitae Evidence Modeling of protein sequence and biophysical properties (such as structural, functional, and spatial information, amino acid conservation, physicochemical variation, residue mobility, and thermodynamic stability) indicates that this missense variant is not expected to disrupt DHX37 protein function with a negative predictive value of 80%. In summary, the available evidence is currently insufficient to determine the role of this variant in disease. Therefore, it has been classified as a Variant of Uncertain Significance.